The following is an entry in ClinVar:

ClinVar aggregate classification (germline): Uncertain significance (1 of 4 stars; one submission).

Conditions:
Neurofibromatosis, type 1 (NF1). Also called: VON RECKLINGHAUSEN DISEASE; NEUROFIBROMATOSIS, TYPE I, SOMATIC; Peripheral type neurofibromatosis; Neurofibromatosis, type I. Identifiers: Orphanet 636, MedGen C0027831, MONDO:0018975, OMIM 162200. Disease mechanism: loss of function.

Submission:

Labcorp Genetics (formerly Invitae), Labcorp
Classification: Uncertain significance for Neurofibromatosis, type 1. Last evaluated: 2023-12-11. Review status: criteria provided, single submitter. Criteria: Invitae Variant Classification Sherloc (09022015). Collection method: clinical testing. Allele origin: germline.
Comment: This sequence change replaces arginine, which is basic and polar, with glycine, which is neutral and non-polar, at codon 1250 of the NF1 protein (p.Arg1250Gly). This variant is not present in population databases (gnomAD no frequency). This variant has not been reported in the literature in individuals affected with NF1-related conditions. Advanced modeling of protein sequence and biophysical properties (such as structural, functional, and spatial information, amino acid conservation, physicochemical variation, residue mobility, and thermodynamic stability) performed at Invitae indicates that this missense variant is expected to disrupt NF1 protein function with a positive predictive value of 95%. In summary, the available evidence is currently insufficient to determine the role of this variant in disease. Therefore, it has been classified as a Variant of Uncertain Significance.

NM_001042492.3(NF1):c.3748C>G (p.Arg1250Gly)

Gene: NF1 (neurofibromin 1; plus strand). Cytogenetic location: 17q11.2.
Variant type: single nucleotide variant.
Coding change: c.3748C>G on transcript NM_001042492.3 (MANE Select); coding-DNA position 3748, C replaced by G.
Protein change: p.Arg1250Gly; replaces arginine 1250 with glycine.
Molecular consequence: missense variant.
Genome position (GRCh38, 1-based): chr17:31,235,650, C>G. VCF-style: chr17-31235650-C-G. GRCh37 (hg19) VCF-style: chr17-29562668-C-G.
Other names: c.3748C>G, p.Arg1250Gly (NM_000267.4); short protein forms R1250G.
Identifiers: ClinVar variation 2752567 (VCV002752567.3), dbSNP rs1452005208, ClinGen allele CA398992451.
Genomic context (GRCh38, chr17:31,235,650, plus strand): 5'-CTGATTTTGTTTTGTTCTCAGGATGAACTAGCTCGAGTTCTGGTTACTCTGTTTGATTCT[C>G]GGCATTTACTCTACCAACTGCTCTGGAACATGTTTTCTAAAGAAGTAGAATTGGCAGACT-3'
Protein context (NP_001035957.1, residues 1240-1260): ARVLVTLFDS[Arg1250Gly]HLLYQLLWNM